The following is an entry in ClinVar:

NM_013275.6(ANKRD11):c.703G>A (p.Asp235Asn)

Gene: ANKRD11 (ankyrin repeat domain 11; minus strand). Cytogenetic location: 16q24.3.
Variant type: single nucleotide variant.
Coding change: c.703G>A on transcript NM_013275.6 (MANE Select); coding-DNA position 703, G replaced by A.
Protein change: p.Asp235Asn; replaces aspartic acid 235 with asparagine.
Molecular consequence: missense variant. On other transcripts: non-coding transcript variant (1).
Genome position (GRCh38, 1-based): chr16:89,288,569, C>T on the plus strand (G>A on the coding strand, the complement: ANKRD11 is on the minus strand). VCF-style: chr16-89288569-C-T. GRCh37 (hg19) VCF-style: chr16-89354977-C-T.
Other names: c.703G>A, p.Asp235Asn (NM_001256182.2, NM_001256183.2); short protein forms D235N.
Identifiers: ClinVar variation 2633194 (VCV002633194.2), dbSNP rs1243917759, ClinGen allele CA397166783.

ClinVar aggregate classification (germline): Uncertain significance (1 of 4 stars; one submission).

Conditions:
ANKRD11-related disorder. Also called: ANKRD11-related condition.

Allele frequency attached by ClinVar (database versions not stated): gnomAD exomes below 0.00001.
gnomAD v4.1: 1 of 1,614,142 alleles (0.000062%); highest among the groups gnomAD compares: Non-Finnish European, 0.000085%; no homozygotes.

Submission:

PreventionGenetics, part of Exact Sciences
Classification: Uncertain significance for ANKRD11-related condition. Last evaluated: 2026-04-08. Review status: criteria provided, single submitter. Criteria: ACMG Guidelines, 2015. Collection method: clinical testing. Allele origin: germline.
Comment: The ANKRD11 c.703G>A variant is predicted to result in the amino acid substitution p.Asp235Asn. To our knowledge, this variant has not been reported in the literature or in a large population database (gnomAD), indicating this variant is rare. Although we suspect that this variant may be pathogenic, at this time, the clinical significance of this variant is uncertain due to the absence of conclusive functional and genetic evidence.